The following is an entry in ClinVar:

NM_007254.4(PNKP):c.1065_1081del (p.Ser357fs)

Gene: PNKP (polynucleotide kinase 3'-phosphatase; minus strand). Cytogenetic location: 19q13.33.
Variant type: Deletion.
Coding change: c.1065_1081del on transcript NM_007254.4 (MANE Select); coding-DNA positions 1065 to 1081, 17 bases deleted (CGAGTCCAGGGCCCTCC).
Protein change: p.Ser357fs; shifts the reading frame from serine 357.
Molecular consequence: frameshift variant.
Genome position (GRCh38, 1-based): chr19:49,862,230-49,862,246, GGAGGGCCCTGGACTCG deleted on the plus strand (CGAGTCCAGGGCCCTCC on the coding strand, the reverse complement: PNKP is on the minus strand); deleting any 17 consecutive bases within chr19:49,862,230-49,862,248 gives the same sequence; the c. name uses the placement nearest the transcript's 3' end. VCF-style (leftmost placement, unchanged base first): chr19-49862229-AGGAGGGCCCTGGACTCG-A. GRCh37 (hg19) VCF-style: chr19-50365486-AGGAGGGCCCTGGACTCG-A.
Other names: short protein forms S357fs.
Identifiers: ClinVar variation 854848 (VCV000854848.9), dbSNP rs1366190965, ClinGen allele CA883147230.

ClinVar aggregate classification (germline): Pathogenic/Likely pathogenic. Review status: criteria provided, multiple submitters, no conflicts (2 of 4 stars). 2 submissions from 2 submitters: Pathogenic (1); Likely pathogenic (1). Last evaluated 2022-07-26.

Conditions:
Developmental and epileptic encephalopathy, 12 (DEE12). Identifiers: MedGen C3150988, MONDO:0013389, OMIM 613722.
PNKP-related disorder. Also called: PNKP-related condition; PNKP-related disorders.

Submissions (2):

Labcorp Genetics (formerly Invitae), Labcorp
Classification: Pathogenic for Developmental and epileptic encephalopathy, 12. Last evaluated: 2022-07-26. Review status: criteria provided, single submitter. Criteria: Invitae Variant Classification Sherloc (09022015). Collection method: clinical testing. Allele origin: germline.
Comment: This variant has not been reported in the literature in individuals affected with PNKP-related conditions. For these reasons, this variant has been classified as Pathogenic. Algorithms developed to predict the effect of sequence changes on RNA splicing suggest that this variant may disrupt the consensus splice site. ClinVar contains an entry for this variant (Variation ID: 854848). This variant is not present in population databases (gnomAD no frequency). This sequence change creates a premature translational stop signal (p.Ser357Argfs*48) in the PNKP gene. It is expected to result in an absent or disrupted protein product. Loss-of-function variants in PNKP are known to be pathogenic (PMID: 20118933, 25728773).

Blueprint Genetics
Classification: Likely pathogenic for PNKP-related disorders. Last evaluated: 2021-12-21. Review status: criteria provided, single submitter. Criteria: ACMG Guidelines, 2015. Collection method: clinical testing. Allele origin: germline. Affected: yes. Observed: 1 variant allele.

Literature cited by the submitters: PubMed 20118933 (cited by Labcorp Genetics (formerly Invitae), Labcorp); PubMed 25728773 (cited by Labcorp Genetics (formerly Invitae), Labcorp).